The following is an entry in ClinVar:

ClinVar aggregate classification (germline): Uncertain significance. Review status: criteria provided, multiple submitters, no conflicts (2 of 4 stars). 3 submissions from 3 submitters: Uncertain significance (3). Last evaluated 2024-08-23.

Conditions:
IHH-related disorder. Also called: IHH-related condition.
Inborn genetic diseases. Identifiers: MedGen C0950123, MeSH D030342.

Allele frequency attached by ClinVar (database versions not stated): ExAC 0.00001; gnomAD 0.00001; gnomAD exomes 0.00001; TOPMed 0.00001.

Submissions (3):

Labcorp Genetics (formerly Invitae), Labcorp
Classification: Uncertain significance. Last evaluated: 2024-08-23. Review status: criteria provided, single submitter. Criteria: Invitae Variant Classification Sherloc (09022015). Collection method: clinical testing. Allele origin: germline.
Comment: This sequence change replaces cysteine, which is neutral and slightly polar, with arginine, which is basic and polar, at codon 13 of the IHH protein (p.Cys13Arg). This variant is present in population databases (rs775302381, gnomAD 0.008%). This variant has not been reported in the literature in individuals affected with IHH-related conditions. ClinVar contains an entry for this variant (Variation ID: 2628674). Invitae Evidence Modeling of protein sequence and biophysical properties (such as structural, functional, and spatial information, amino acid conservation, physicochemical variation, residue mobility, and thermodynamic stability) indicates that this missense variant is not expected to disrupt IHH protein function with a negative predictive value of 80%. In summary, the available evidence is currently insufficient to determine the role of this variant in disease. Therefore, it has been classified as a Variant of Uncertain Significance.

Ambry Genetics
Classification: Uncertain significance for Inborn genetic diseases. Last evaluated: 2023-11-13. Review status: criteria provided, single submitter. Criteria: Ambry Variant Classification Scheme 2023. Collection method: clinical testing. Allele origin: germline.

PreventionGenetics, part of Exact Sciences
Classification: Uncertain significance for IHH-related condition. Last evaluated: 2023-05-22. Review status: criteria provided, single submitter. Criteria: ACMG Guidelines, 2015. Collection method: clinical testing. Allele origin: germline.
Comment: The IHH c.37T>C variant is predicted to result in the amino acid substitution p.Cys13Arg. To our knowledge, this variant has not been reported in the literature. This variant is reported in 0.0083% of alleles in individuals of African descent in gnomAD. At this time, the clinical significance of this variant is uncertain due to the absence of conclusive functional and genetic evidence.

NM_002181.4(IHH):c.37T>C (p.Cys13Arg)

Gene: IHH (Indian hedgehog signaling molecule; minus strand). Cytogenetic location: 2q35.
Variant type: single nucleotide variant.
Coding change: c.37T>C on transcript NM_002181.4 (MANE Select); coding-DNA position 37, T replaced by C.
Protein change: p.Cys13Arg; replaces cysteine 13 with arginine.
Molecular consequence: missense variant.
Genome position (GRCh38, 1-based): chr2:219,060,431, A>G on the plus strand (T>C on the coding strand, the complement: IHH is on the minus strand). VCF-style: chr2-219060431-A-G. GRCh37 (hg19) VCF-style: chr2-219925153-A-G.
Other names: short protein forms C13R.
Identifiers: ClinVar variation 2628674 (VCV002628674.5), dbSNP rs775302381, ClinGen allele CA2116779.